The following is an entry in ClinVar:

ClinVar aggregate classification (germline): Uncertain significance. Review status: criteria provided, multiple submitters, no conflicts (2 of 4 stars). 3 submissions from 3 submitters: Uncertain significance (3). Last evaluated 2024-06-14.

Conditions:
Familial infantile myasthenia (CMS6). Also called: MYASTHENIC SYNDROME, PRESYNAPTIC, CONGENITAL, ASSOCIATED WITH EPISODIC APNEA; MYASTHENIC SYNDROME, CONGENITAL, 6, PRESYNAPTIC; Congenital myasthenic syndrome type 6. Identifiers: Orphanet 590, MedGen C0393929, MONDO:0009689, OMIM 254210.

Allele frequency attached by ClinVar (database versions not stated): gnomAD exomes below 0.00001; ExAC 0.00001.
gnomAD v4.1: 5 of 1,613,774 alleles (0.00031%); highest among the groups gnomAD compares: African/African-American, 0.0013%; no homozygotes.

Submissions (3):

Mayo Clinic Laboratories, Mayo Clinic
Classification: Uncertain significance. Last evaluated: 2024-06-14. Review status: criteria provided, single submitter. Criteria: ACMG Guidelines, 2015. Collection method: clinical testing. Allele origin: germline. Observed: 1 variant allele.
Comment: PP3, PM2

Labcorp Genetics (formerly Invitae), Labcorp
Classification: Uncertain significance for Familial infantile myasthenia. Last evaluated: 2021-03-15. Review status: criteria provided, single submitter. Criteria: Invitae Variant Classification Sherloc (09022015). Collection method: clinical testing. Allele origin: germline.
Comment: This variant is present in population databases (rs776499844, ExAC 0.002%). This sequence change replaces phenylalanine with serine at codon 169 of the CHAT protein (p.Phe169Ser). The phenylalanine residue is highly conserved and there is a large physicochemical difference between phenylalanine and serine. This variant has not been reported in the literature in individuals with CHAT-related conditions. ClinVar contains an entry for this variant (Variation ID: 623653). In summary, the available evidence is currently insufficient to determine the role of this variant in disease. Therefore, it has been classified as a Variant of Uncertain Significance. Advanced modeling of protein sequence and biophysical properties (such as structural, functional, and spatial information, amino acid conservation, physicochemical variation, residue mobility, and thermodynamic stability) performed at Invitae indicates that this missense variant is expected to disrupt CHAT protein function.

HudsonAlpha Institute for Biotechnology
Classification: Uncertain significance for Familial infantile myasthenia. Last evaluated: 2018-09-06. Review status: criteria provided, single submitter. Criteria: ACMG Guidelines, 2015. Collection method: research. Allele origin: maternal. Affected: yes. Observed: 1 variant allele. Study: CSER-SouthSeq.
Comment: ACMG codes: PM2, PP3, PP4

Literature cited by the submitters: PubMed 34930662 (cited by Mayo Clinic Laboratories, Mayo Clinic).

NM_020549.5(CHAT):c.506T>C (p.Phe169Ser)

Gene: CHAT (choline O-acetyltransferase; plus strand). Cytogenetic location: 10q11.23.
Variant type: single nucleotide variant.
Coding change: c.506T>C on transcript NM_020549.5 (MANE Select); coding-DNA position 506, T replaced by C.
Protein change: p.Phe169Ser; replaces phenylalanine 169 with serine.
Molecular consequence: missense variant.
Genome position (GRCh38, 1-based): chr10:49,619,843, T>C. VCF-style: chr10-49619843-T-C. GRCh37 (hg19) VCF-style: chr10-50827889-T-C.
Other names: p.Phe169Ser; c.152T>C, p.Phe51Ser (NM_001142929.2, NM_001142934.2, NM_020984.4 and 2 more transcripts); c.260T>C, p.Phe87Ser (NM_001142933.2); short protein forms F169S, F51S, F87S.
Identifiers: ClinVar variation 623653 (VCV000623653.9), dbSNP rs776499844, ClinGen allele CA5497155.